The following is an entry in ClinVar:

NM_181672.3(OGT):c.2660A>C (p.Gln887Pro)

Gene: OGT (O-linked N-acetylglucosamine (GlcNAc) transferase; plus strand). Cytogenetic location: Xq13.1.
Variant type: single nucleotide variant.
Coding change: c.2660A>C on transcript NM_181672.3 (MANE Select); coding-DNA position 2660, A replaced by C.
Protein change: p.Gln887Pro; replaces glutamine 887 with proline.
Molecular consequence: missense variant.
Genome position (GRCh38, 1-based): chrX:71,567,570, A>C. VCF-style: chrX-71567570-A-C. GRCh37 (hg19) VCF-style: chrX-70787420-A-C.
Other names: c.2630A>C, p.Gln877Pro (NM_181673.3); short protein forms Q877P, Q887P.
Identifiers: ClinVar variation 3774111 (VCV003774111.1).

ClinVar aggregate classification (germline): Uncertain significance (1 of 4 stars; one submission).

Submission:

GeneDx
Classification: Uncertain significance. Last evaluated: 2024-09-18. Review status: criteria provided, single submitter. Criteria: GeneDx Variant Classification Process June 2021. Collection method: clinical testing. Allele origin: germline. Affected: yes.
Comment: Not observed at significant frequency in large population cohorts (gnomAD); In silico analysis supports that this missense variant has a deleterious effect on protein structure/function; Has not been previously published as pathogenic or benign to our knowledge